The following is an entry in ClinVar:

NM_001376.5(DYNC1H1):c.9555C>G (p.Asn3185Lys)

Gene: DYNC1H1 (dynein cytoplasmic 1 heavy chain 1; plus strand). Cytogenetic location: 14q32.31.
Variant type: single nucleotide variant.
Coding change: c.9555C>G on transcript NM_001376.5 (MANE Select); coding-DNA position 9555, C replaced by G.
Protein change: p.Asn3185Lys; replaces asparagine 3185 with lysine.
Molecular consequence: missense variant.
Genome position (GRCh38, 1-based): chr14:102,029,625, C>G. VCF-style: chr14-102029625-C-G. GRCh37 (hg19) VCF-style: chr14-102495962-C-G.
Other names: short protein forms N3185K.
Identifiers: ClinVar variation 4975661 (VCV004975661.1).

ClinVar aggregate classification (germline): Uncertain significance (1 of 4 stars; one submission).

Submission:

GeneDx
Classification: Uncertain significance. Last evaluated: 2026-01-25. Review status: criteria provided, single submitter. Criteria: GeneDx Variant Classification Process June 2021. Collection method: clinical testing. Allele origin: germline.
Comment: Not observed at significant frequency in large population cohorts (gnomAD); In silico analysis suggests that this missense variant does not alter protein structure/function; Has not been previously published as pathogenic or benign to our knowledge; This variant is associated with the following publications: (PMID: 25512093, 25609763, 26100331)